The following is an entry in ClinVar:

NM_000094.4(COL7A1):c.5338C>T (p.Arg1780Trp)

Gene: COL7A1 (collagen type VII alpha 1 chain; minus strand). Cytogenetic location: 3p21.31.
Variant type: single nucleotide variant.
Coding change: c.5338C>T on transcript NM_000094.4 (MANE Select); coding-DNA position 5338, C replaced by T.
Protein change: p.Arg1780Trp; replaces arginine 1780 with tryptophan.
Molecular consequence: missense variant.
Genome position (GRCh38, 1-based): chr3:48,579,247, G>A on the plus strand (C>T on the coding strand, the complement: COL7A1 is on the minus strand). VCF-style: chr3-48579247-G-A. GRCh37 (hg19) VCF-style: chr3-48616680-G-A.
Other names: short protein forms R1780W.
Identifiers: ClinVar variation 3659720 (VCV003659720.2).

ClinVar aggregate classification (germline): Uncertain significance. Review status: criteria provided, multiple submitters, no conflicts (2 of 4 stars). 2 submissions from 2 submitters: Uncertain significance (2). Last evaluated 2025-06-08.

Conditions:
Inborn genetic diseases. Identifiers: MedGen C0950123, MeSH D030342.

gnomAD v4.1: 72 of 1,613,772 alleles (0.0045%); highest among the groups gnomAD compares: South Asian, 0.029%; no homozygotes.

Submissions (2):

Ambry Genetics
Classification: Uncertain significance for Inborn genetic diseases. Last evaluated: 2025-06-08. Review status: criteria provided, single submitter. Criteria: Ambry Variant Classification Scheme 2023. Collection method: clinical testing. Allele origin: germline.

Labcorp Genetics (formerly Invitae), Labcorp
Classification: Uncertain significance. Last evaluated: 2024-06-22. Review status: criteria provided, single submitter. Criteria: Invitae Variant Classification Sherloc (09022015). Collection method: clinical testing. Allele origin: germline.
Comment: This sequence change replaces arginine, which is basic and polar, with tryptophan, which is neutral and slightly polar, at codon 1780 of the COL7A1 protein (p.Arg1780Trp). This variant is present in population databases (rs368689836, gnomAD 0.04%). This variant has not been reported in the literature in individuals affected with COL7A1-related conditions. Advanced modeling of protein sequence and biophysical properties (such as structural, functional, and spatial information, amino acid conservation, physicochemical variation, residue mobility, and thermodynamic stability) performed at Invitae indicates that this missense variant is expected to disrupt COL7A1 protein function with a positive predictive value of 95%. In summary, the available evidence is currently insufficient to determine the role of this variant in disease. Therefore, it has been classified as a Variant of Uncertain Significance.